The following is an entry in ClinVar:

NM_130839.5(UBE3A):c.618A>T (p.Ala206=)

Genes: SNHG14 (small nucleolar RNA host gene 14; plus strand), UBE3A (ubiquitin protein ligase E3A; minus strand). Cytogenetic location: 15q11.2.
Variant type: single nucleotide variant.
Coding change: c.618A>T on transcript NM_130839.5 (MANE Select); coding-DNA position 618, A replaced by T.
Protein change: p.Ala206=; no amino-acid change (alanine 206 retained).
Molecular consequence: synonymous variant. On other transcripts: non-coding transcript variant (1), intron variant (2).
Genome position (GRCh38, 1-based): chr15:25,371,556, T>A on the plus strand (A>T on the coding strand, the complement: UBE3A is on the minus strand). VCF-style: chr15-25371556-T-A. GRCh37 (hg19) VCF-style: chr15-25616703-T-A.
Other names: p.A206A:GCA>GCT; NM_130839.5(UBE3A):c.618A>T; p.Ala206=; c.627A>T, p.Ala209= (NM_000462.5); c.618A>T, p.Ala206= (NM_001354505.1, NM_001354538.2, NM_001354545.2); c.558A>T, p.Ala186= (NM_001354506.2, NM_001354507.2, NM_001354508.2 and 17 more transcripts); c.441A>T, p.Ala147= (NM_001354546.2); c.301+3909A>T (NM_001354551.2); and 1 more.
Identifiers: ClinVar variation 137882 (VCV000137882.55), dbSNP rs143484751, ClinGen allele CA291604.
Genomic context (GRCh38, chr15:25,371,556, plus strand): 5'-AGGGCCTAATTTTTGCAAATTGTTGTCTCCCTGTGAGCTATCACCTATCCTTGAGGAAGA[T>A]GCTTCTGAGTCTTCTTCCATAGCAGCAGCAGAACATGCAGCTTTTTCCTTTTCATCTTCA-3'
Protein context (NP_570854.1, residues 196-216): SAAAMEEDSE[Ala206=]SSSRIGDSSQ

ClinVar aggregate classification (germline): Benign. Review status: reviewed by expert panel (3 of 4 stars). 9 submissions from 9 submitters: Benign (1). 8 of the submissions do not count toward it. Last evaluated 2022-06-30.

Conditions:
UBE3A-related disorder. Also called: UBE3A-related condition.
Inborn genetic diseases. Identifiers: MedGen C0950123, MeSH D030342.
Angelman syndrome (AS). Also called: HAPPY PUPPET SYNDROME. Identifiers: Orphanet 72, MedGen C0162635, MONDO:0007113, OMIM 105830. Disease mechanism: loss of function. Inheritance: AS is caused by disruption of maternally imprinted UBE3A located within the 15q11.2-q13 Angelman syndrome/Prader-Willi syndrome (AS/PWS) region., imprinting disorder.

Allele frequency attached by ClinVar (database versions not stated): TOPMed 0.00012; 1000 Genomes Project 30x 0.00016; gnomAD exomes 0.00019 and 0.00023; 1000 Genomes Project 0.00020; ESP Exome Variant Server 0.00023; ExAC 0.00026; gnomAD 0.00121.
gnomAD v4.1: 340 of 1,614,216 alleles (0.021%); highest among the groups gnomAD compares: Non-Finnish European, 0.021%; 1 homozygote.

Submissions (9):

ClinGen Rett and Angelman-like Disorders Variant Curation Expert Panel
Classification: Benign for Angelman syndrome. Last evaluated: 2022-06-30. Review status: reviewed by expert panel. Criteria: ClinGen RettAS ACMG Specifications V2. Collection method: curation. Allele origin: germline. Inheritance: Autosomal dominant inheritance.
Comment: The allele frequency of the c.558A>T p.(Ala186=) variant in UBE3A (NM_130838.2) is 0.047% in the European (non-Finnish) sub population in gnomAD, which is high enough to be classified as benign based on thresholds defined by the ClinGen Rett/Angelman-like Expert Panel for Rett/AS-like conditions (BA1). In summary, the c.558A>T p.(Ala186=) variant in UBE3A is classified as Benign based on the ACMG/AMP criteria (BA1).

CeGaT Center for Human Genetics Tuebingen
Classification: Likely benign. Last evaluated: 2026-07-01. Review status: criteria provided, single submitter. Criteria: CeGaT Center For Human Genetics Tuebingen Variant Classification Criteria Version 2. Collection method: clinical testing. Allele origin: germline. Affected: yes. Observed: 13 variant alleles. Not counted in ClinVar's aggregate classification.
Comment: UBE3A: BP4, BP7

Labcorp Genetics (formerly Invitae), Labcorp
Classification: Benign for Angelman syndrome. Last evaluated: 2026-01-19. Review status: criteria provided, single submitter. Criteria: Invitae Variant Classification Sherloc (09022015). Collection method: clinical testing. Allele origin: germline. Not counted in ClinVar's aggregate classification.

Laboratory of Genetics, Children's Clinical University Hospital Latvia
Classification: Likely benign. Last evaluated: 2025-02-16. Review status: criteria provided, single submitter. Criteria: ACMG Guidelines, 2015. Collection method: clinical testing. Allele origin: germline. Affected: yes. Not counted in ClinVar's aggregate classification.

PreventionGenetics, part of Exact Sciences
Classification: Likely benign for UBE3A-related condition. Last evaluated: 2025-01-18. Review status: criteria provided, single submitter. Criteria: ACMG Guidelines, 2015. Collection method: clinical testing. Allele origin: germline. Not counted in ClinVar's aggregate classification.
Comment: This variant is classified as likely benign based on ACMG/AMP sequence variant interpretation guidelines (Richards et al. 2015 PMID: 25741868, with internal and published modifications).

Blueprint Genetics
Classification: Likely benign. Last evaluated: 2024-11-07. Review status: criteria provided, single submitter. Criteria: ACMG Guidelines, 2015. Collection method: clinical testing. Allele origin: germline. Not counted in ClinVar's aggregate classification.

Ambry Genetics
Classification: Likely benign for Inborn genetic diseases. Last evaluated: 2018-05-18. Review status: criteria provided, single submitter. Criteria: Ambry Variant Classification Scheme 2023. Collection method: clinical testing. Allele origin: germline. Not counted in ClinVar's aggregate classification.

GeneDx
Classification: Likely benign. Last evaluated: 2017-10-19. Review status: criteria provided, single submitter. Criteria: GeneDx Variant Classification (06012015). Collection method: clinical testing. Allele origin: germline. Affected: yes. Not counted in ClinVar's aggregate classification.
Comment: This variant is considered likely benign or benign based on one or more of the following criteria: it is a conservative change, it occurs at a poorly conserved position in the protein, it is predicted to be benign by multiple in silico algorithms, and/or has population frequency not consistent with disease.

Baylor Genetics
Classification: Uncertain significance for Angelman syndrome. Last evaluated: 2014-02-14. Review status: no assertion criteria provided. Collection method: clinical testing. Allele origin: germline. Affected: yes. Observed: 1 variant allele. Study: UBE3A Mutation Study. Not counted in ClinVar's aggregate classification.
Comment: possible diagnosis of Angelman syndrome

Data collected from clinical UBE3A sequence analysis results

Literature cited by the submitters: PubMed 25212744 (cited by Ambry Genetics and Baylor Genetics).